The following is an entry in ClinVar:

ClinVar aggregate classification (germline): Uncertain significance (3 of 4 stars; one submission).

Conditions:
Glanzmann thrombasthenia. Also called: Glanzmann's thrombasthenia; THROMBASTHENIA OF GLANZMANN AND NAEGELI; Thrombasthenia; PLATELET GLYCOPROTEIN IIb-IIIa DEFICIENCY. Identifiers: Orphanet 849, MedGen C0040015, MONDO:0100326.

Submission:

ClinGen Platelet Disorders Variant Curation Expert Panel, ClinGen
Classification: Uncertain significance for Glanzmann thrombasthenia. Last evaluated: 2026-06-04. Review status: reviewed by expert panel. Criteria: ClinGen Platelet ACMG Specifications v2-1. Collection method: curation. Allele origin: germline. Inheritance: Autosomal recessive inheritance.
Comment: The NM_000212.3(ITGB3):c.1702T>A (p.Cys568Ser) missense variant is absent from gnomADv4.1 (PM2_supporting). The computational predictor REVEL gives a score of 0.968, which is above the ClinGen PD VCEP threshold of >0.7 and predicts a damaging effect on function (PP3). It has been reported once compound heterozygous with NM_000212.3(ITGB3):c.1658_1660del (p.Ser553del) with insufficient information to consider the case here. In summary, the variant is classified as Uncertain Significance for autosomal recessive Glanzmann thrombasthenia with PD VCEP specified codes PP3 and PM2_supporting.

NM_000212.3(ITGB3):c.1702T>A (p.Cys568Ser)

Gene: ITGB3 (integrin subunit beta 3; plus strand). Cytogenetic location: 17q21.32.
Variant type: single nucleotide variant.
Coding change: c.1702T>A on transcript NM_000212.3 (MANE Select); coding-DNA position 1702, T replaced by A.
Protein change: p.Cys568Ser; replaces cysteine 568 with serine.
Molecular consequence: missense variant.
Genome position (GRCh38, 1-based): chr17:47,299,319, T>A. VCF-style: chr17-47299319-T-A. GRCh37 (hg19) VCF-style: chr17-45376685-T-A.
Other names: NM_000212.3:c.1702T>A; short protein forms C568S.
Identifiers: ClinVar variation 4857362 (VCV004857362.1).
Genomic context (GRCh38, chr17:47,299,319, plus strand): 5'-AGTGGAGCTCTCGCCAGCGGGTCCACCTTCCTGGGCTGTGTGTTTTCAGGCCATGGCCAG[T>A]GCAGCTGTGGGGACTGCCTGTGTGACTCCGACTGGACCGGCTACTACTGCAACTGTACCA-3'
Protein context (NP_000203.2, residues 558-578): KGEMCSGHGQ[Cys568Ser]SCGDCLCDSD